The following is an entry in ClinVar:

ClinVar aggregate classification (germline): Uncertain significance (1 of 4 stars; one submission).

Conditions:
Coffin-Siris syndrome 10. Also called: INTELLECTUAL DEVELOPMENTAL DISORDER WITH SPEECH DELAY AND DYSMORPHIC FACIES. Identifiers: MedGen C4760583, MONDO:0032791, OMIM 618506.

Submission:

Juno Genomics, Hangzhou Juno Genomics, Inc
Classification: Uncertain significance for Coffin-Siris syndrome 10. Review status: criteria provided, single submitter. Criteria: ACMG Guidelines, 2015. Collection method: clinical testing. Allele origin: germline.
Comment: Absent from controls (or at extremely low frequency if recessive) in Genome Aggregation Database.;Multiple lines of computational evidence support a deleterious effect on the gene or gene product.

NM_003107.3(SOX4):c.389C>A (p.Pro130His)

Gene: SOX4 (SRY-box transcription factor 4; plus strand). Cytogenetic location: 6p22.3.
Variant type: single nucleotide variant.
Coding change: c.389C>A on transcript NM_003107.3 (MANE Select); coding-DNA position 389, C replaced by A.
Protein change: p.Pro130His; replaces proline 130 with histidine.
Molecular consequence: missense variant.
Genome position (GRCh38, 1-based): chr6:21,594,923, C>A. VCF-style: chr6-21594923-C-A. GRCh37 (hg19) VCF-style: chr6-21595154-C-A.
Other names: short protein forms P130H.
Identifiers: ClinVar variation 5006998 (VCV005006998.2).